The following is an entry in ClinVar:

ClinVar aggregate classification (germline): Uncertain significance (1 of 4 stars; one submission).

gnomAD v4.1: 146 of 1,613,406 alleles (0.009%); highest among the groups gnomAD compares: Non-Finnish European, 0.00085%; 1 homozygote.

Submission:

Labcorp Genetics (formerly Invitae), Labcorp
Classification: Uncertain significance. Last evaluated: 2022-04-28. Review status: criteria provided, single submitter. Criteria: Invitae Variant Classification Sherloc (09022015). Collection method: clinical testing. Allele origin: germline.
Comment: In summary, the available evidence is currently insufficient to determine the role of this variant in disease. Therefore, it has been classified as a Variant of Uncertain Significance. Algorithms developed to predict the effect of missense changes on protein structure and function are either unavailable or do not agree on the potential impact of this missense change (SIFT: "Tolerated"; PolyPhen-2: "Possibly Damaging"; Align-GVGD: "Class C0"). This variant has not been reported in the literature in individuals affected with IL6R-related conditions. This variant is present in population databases (rs28730735, gnomAD 0.2%). This sequence change replaces leucine, which is neutral and non-polar, with valine, which is neutral and non-polar, at codon 379 of the IL6R protein (p.Leu379Val).

NM_000565.4(IL6R):c.1135C>G (p.Leu379Val)

Gene: IL6R (interleukin 6 receptor; plus strand). Cytogenetic location: 1q21.3.
Variant type: single nucleotide variant.
Coding change: c.1135C>G on transcript NM_000565.4 (MANE Select); coding-DNA position 1135, C replaced by G.
Protein change: p.Leu379Val; replaces leucine 379 with valine.
Molecular consequence: missense variant. On other transcripts: intron variant (2).
Genome position (GRCh38, 1-based): chr1:154,454,556, C>G. VCF-style: chr1-154454556-C-G. GRCh37 (hg19) VCF-style: chr1-154427032-C-G.
Other names: c.1234C>G, p.Leu412Val (NM_001382769.1); c.1228C>G, p.Leu410Val (NM_001382770.1); c.1183C>G, p.Leu395Val (NM_001382771.1); c.1129C>G, p.Leu377Val (NM_001382772.1); c.775C>G, p.Leu259Val (NM_001382774.1); c.1114+4576C>G (NM_001382773.1); c.1066+4576C>G (NM_181359.3); short protein forms L410V, L412V, L259V, L377V, L379V, L395V.
Identifiers: ClinVar variation 1964465 (VCV001964465.5), dbSNP rs28730735, ClinGen allele CA1129286.